The following is an entry in ClinVar:

ClinVar aggregate classification (germline): Uncertain significance (1 of 4 stars; one submission).

Conditions:
Hypertrophic cardiomyopathy. Also called: HYPERTROPHIC MYOCARDIOPATHY. Identifiers: Orphanet 217569, MedGen C0007194, MeSH D002312, MONDO:0005045, HP:0001639.

Submission:

All of Us Research Program, National Institutes of Health
Classification: Uncertain significance for Hypertrophic cardiomyopathy. Last evaluated: 2024-01-11. Review status: criteria provided, single submitter. Criteria: ACMG Guidelines, 2015. Collection method: clinical testing. Allele origin: germline. Inheritance: Autosomal dominant inheritance. Observed: 1 variant allele, 1 heterozygote.
Comment: This study involves interpretation of variants in research participants for the purpose of population health screening. Participant phenotype was not available at the time of variant classification. Additional details can be found in publication PMID: 35346344, PMCID: PMC8962531

NM_000256.3(MYBPC3):c.688C>A (p.Gln230Lys)

Gene: MYBPC3 (myosin binding protein C3; minus strand). Cytogenetic location: 11p11.2.
Variant type: single nucleotide variant.
Coding change: c.688C>A on transcript NM_000256.3 (MANE Select); coding-DNA position 688, C replaced by A.
Protein change: p.Gln230Lys; replaces glutamine 230 with lysine.
Molecular consequence: missense variant.
Genome position (GRCh38, 1-based): chr11:47,348,508, G>T on the plus strand (C>A on the coding strand, the complement: MYBPC3 is on the minus strand). VCF-style: chr11-47348508-G-T. GRCh37 (hg19) VCF-style: chr11-47370059-G-T.
Other names: short protein forms Q230K.
Identifiers: ClinVar variation 3075331 (VCV003075331.1), dbSNP rs2495776914, ClinGen allele CA380336207.